The following is an entry in ClinVar:

ClinVar aggregate classification (germline): Uncertain significance (1 of 4 stars; one submission).

Conditions:
Leukodystrophy, hypomyelinating, 6. Also called: LEUKODYSTROPHY, HYPOMYELINATING, WITH ATROPHY OF THE BASAL GANGLIA AND CEREBELLUM; TUBB4A-Associated Leukodystrophy; Hypomyelination with Atrophy of Basal Ganglia and Cerebellum (H-ABC). Identifiers: Orphanet 139441, MedGen C2676244, MONDO:0012905, OMIM 612438.

Allele frequency attached by ClinVar (database versions not stated): gnomAD exomes below 0.00001; gnomAD 0.00001; TOPMed 0.00001.
gnomAD v4.1: 4 of 1,613,618 alleles (0.00025%); highest among the groups gnomAD compares: African/African-American, 0.0013%; no homozygotes.

Submission:

Labcorp Genetics (formerly Invitae), Labcorp
Classification: Uncertain significance for Leukodystrophy, hypomyelinating, 6. Last evaluated: 2023-10-23. Review status: criteria provided, single submitter. Criteria: Invitae Variant Classification Sherloc (09022015). Collection method: clinical testing. Allele origin: germline.
Comment: This sequence change replaces threonine, which is neutral and polar, with methionine, which is neutral and non-polar, at codon 399 of the TUBB4A protein (p.Thr399Met). This variant is not present in population databases (gnomAD no frequency). This variant has not been reported in the literature in individuals affected with TUBB4A-related conditions. Advanced modeling of protein sequence and biophysical properties (such as structural, functional, and spatial information, amino acid conservation, physicochemical variation, residue mobility, and thermodynamic stability) performed at Invitae indicates that this missense variant is expected to disrupt TUBB4A protein function. In summary, the available evidence is currently insufficient to determine the role of this variant in disease. Therefore, it has been classified as a Variant of Uncertain Significance.

NM_006087.4(TUBB4A):c.1196C>T (p.Thr399Met)

Gene: TUBB4A (tubulin beta 4A class IVa; minus strand). Cytogenetic location: 19p13.3.
Variant type: single nucleotide variant.
Coding change: c.1196C>T on transcript NM_006087.4 (MANE Select); coding-DNA position 1196, C replaced by T.
Protein change: p.Thr399Met; replaces threonine 399 with methionine.
Molecular consequence: missense variant.
Genome position (GRCh38, 1-based): chr19:6,495,303, G>A on the plus strand (C>T on the coding strand, the complement: TUBB4A is on the minus strand). VCF-style: chr19-6495303-G-A. GRCh37 (hg19) VCF-style: chr19-6495314-G-A.
Other names: c.1349C>T, p.Thr450Met (NM_001289123.2); c.1331C>T, p.Thr444Met (NM_001289127.2); c.1196C>T, p.Thr399Met (NM_001289129.2); c.980C>T, p.Thr327Met (NM_001289130.2, NM_001289131.2); short protein forms T327M, T450M, T399M, T444M.
Identifiers: ClinVar variation 2874297 (VCV002874297.3), dbSNP rs1233811169, ClinGen allele CA403588674.